The following is an entry in ClinVar:

ClinVar aggregate classification (germline): Uncertain significance (1 of 4 stars; one submission).

Allele frequency attached by ClinVar (database versions not stated): gnomAD exomes below 0.00001; gnomAD 0.00002; TOPMed 0.00002.
gnomAD v4.1: 7 of 1,614,056 alleles (0.00043%); highest among the groups gnomAD compares: African/African-American, 0.0053%; no homozygotes.

Submission:

Ambry Genetics
Classification: Uncertain significance. Last evaluated: 2025-06-02. Review status: criteria provided, single submitter. Criteria: Ambry Variant Classification Scheme 2023. Collection method: clinical testing. Allele origin: germline.
Comment: The p.N897S variant (also known as c.2690A>G), located in coding exon 1 of the MLH3 gene, results from an A to G substitution at nucleotide position 2690. The asparagine at codon 897 is replaced by serine, an amino acid with highly similar properties. This amino acid position is conserved. In addition, this alteration is predicted to be tolerated by in silico analysis. Since supporting evidence is limited at this time, the clinical significance of this alteration remains unclear.

NM_001040108.2(MLH3):c.2690A>G (p.Asn897Ser)

Gene: MLH3 (mutL homolog 3; minus strand). Cytogenetic location: 14q24.3.
Variant type: single nucleotide variant.
Coding change: c.2690A>G on transcript NM_001040108.2 (MANE Select); coding-DNA position 2690, A replaced by G.
Protein change: p.Asn897Ser; replaces asparagine 897 with serine.
Molecular consequence: missense variant.
Genome position (GRCh38, 1-based): chr14:75,046,966, T>C on the plus strand (A>G on the coding strand, the complement: MLH3 is on the minus strand). VCF-style: chr14-75046966-T-C. GRCh37 (hg19) VCF-style: chr14-75513669-T-C.
Other names: c.2690A>G, p.Asn897Ser (NM_014381.3); short protein forms N897S.
Identifiers: ClinVar variation 2497078 (VCV002497078.3), dbSNP rs1009399296, ClinGen allele CA263648076.